The following is an entry in ClinVar:

NM_001519.4(BRF1):c.75C>T (p.Cys25=)

Gene: BRF1 (BRF1 general transcription factor IIIB subunit; minus strand). Cytogenetic location: 14q32.33.
Variant type: single nucleotide variant.
Coding change: c.75C>T on transcript NM_001519.4 (MANE Select); coding-DNA position 75, C replaced by T.
Protein change: p.Cys25=; no amino-acid change (cysteine 25 retained).
Molecular consequence: synonymous variant. On other transcripts: intron variant (2).
Genome position (GRCh38, 1-based): chr14:105,300,555, G>A on the plus strand (C>T on the coding strand, the complement: BRF1 is on the minus strand). VCF-style: chr14-105300555-G-A. GRCh37 (hg19) VCF-style: chr14-105766892-G-A.
Other names: c.75C>T, p.Cys25= (NM_001242788.2, NM_001242790.2); c.-161-14179C>T (NM_001242787.2, NM_001242786.2).
Identifiers: ClinVar variation 2644915 (VCV002644915.24), dbSNP rs773009946, ClinGen allele CA7388240.
Genomic context (GRCh38, chr14:105,300,555, plus strand): 5'-CTCCACGAACTGCACCTCGGACACGATGATGTTGTCCTCCAGCACTGAGCCGCAGGCGGT[G>A]CACACCGCGTCCCCGCGCGCCGCGTCCAGCTCGATGTCCGTGCCGCCGCAACCGCGGCAC-3'
Protein context (NP_001510.2, residues 15-35): ELDAARGDAV[Cys25=]TACGSVLEDN

ClinVar aggregate classification (germline): Likely benign (1 of 4 stars; one submission).

Allele frequency attached by ClinVar (database versions not stated): ExAC 0.00007; TOPMed 0.00008; gnomAD 0.00012; gnomAD exomes 0.00026.
gnomAD v4.1: 357 of 1,505,342 alleles (0.024%); highest among the groups gnomAD compares: Non-Finnish European, 0.031%; 1 homozygote.

Submission:

CeGaT Center for Human Genetics Tuebingen
Classification: Likely benign. Last evaluated: 2025-01-01. Review status: criteria provided, single submitter. Criteria: CeGaT Center For Human Genetics Tuebingen Variant Classification Criteria Version 2. Collection method: clinical testing. Allele origin: germline. Affected: yes. Observed: 2 variant alleles.
Comment: BRF1: BP4, BP7